The following is an entry in ClinVar:

NM_000435.3(NOTCH3):c.5677C>T (p.Arg1893Ter)

Gene: NOTCH3 (notch receptor 3; minus strand). Cytogenetic location: 19p13.12.
Variant type: single nucleotide variant.
Coding change: c.5677C>T on transcript NM_000435.3 (MANE Select); coding-DNA position 5677, C replaced by T.
Protein change: p.Arg1893Ter; replaces arginine 1893 with a stop codon.
Molecular consequence: nonsense.
Genome position (GRCh38, 1-based): chr19:15,165,506, G>A on the plus strand (C>T on the coding strand, the complement: NOTCH3 is on the minus strand). VCF-style: chr19-15165506-G-A. GRCh37 (hg19) VCF-style: chr19-15276317-G-A.
Other names: short protein forms R1893*.
Identifiers: ClinVar variation 4686001 (VCV004686001.3).
Genomic context (GRCh38, chr19:15,165,506, plus strand): 5'-CCAGGATCAGTGCCGTTGAGCCATCTGCCATGCGGGCATCCAAGTCTGTAGAGCGGTTTC[G>A]GATGAGAATCTAGGACAGAGAGTGGATGCAGCAGGAGGGGTCATGGCAGGAACAGAGGAA-3'

ClinVar aggregate classification (germline): Conflicting classifications of pathogenicity. Review status: criteria provided, conflicting classifications (1 of 4 stars). 3 submissions from 3 submitters: Pathogenic (2); Uncertain significance (1). Last evaluated 2025-02-07.

gnomAD v4.1: 4 of 1,612,070 alleles (0.00025%); highest among the groups gnomAD compares: South Asian, 0.0011%; no homozygotes.

Submissions (3):

Labcorp Genetics (formerly Invitae), Labcorp
Classification: Pathogenic. Last evaluated: 2025-02-07. Review status: criteria provided, single submitter. Criteria: Invitae Variant Classification Sherloc (09022015). Collection method: clinical testing. Allele origin: germline.
Comment: This sequence change creates a premature translational stop signal (p.Arg1893*) in the NOTCH3 gene. It is expected to result in an absent or disrupted protein product. Loss-of-function variants in NOTCH3 are known to be pathogenic (PMID: 25870235, 32980981, 38824264). This variant is present in population databases (rs535683988, gnomAD 0.003%). This premature translational stop signal has been observed in individual(s) with cerebral arteriopathy with subcortical infarcts and leukoencephalopathy (CADASIL) (PMID: 34851492). For these reasons, this variant has been classified as Pathogenic.

ARUP Laboratories, Molecular Genetics and Genomics, ARUP Laboratories
Classification: Pathogenic. Last evaluated: 2024-12-07. Review status: criteria provided, single submitter. Criteria: ARUP Molecular Germline Variant Investigation Process 2024. Collection method: clinical testing. Allele origin: germline.
Comment: The NOTCH3 c.5677C>T; p.Arg1893Ter variant (rs535683988) is reported in the literature in a family affected with CADASIL and in an individual with colorectal cancer (Almeida 2022, Smith 2013). This variant is only observed on one allele in the Genome Aggregation Database (v2.1.1), indicating it is not a common polymorphism. This variant induces an early termination codon and is predicted to result in a truncated protein or mRNA subject to nonsense-mediated decay. Most pathogenic NOTCH3 variants occur in exons 2-24 and either create or destroy a cysteine residue within an EGF-like domain, truncating variants are not usually associated with CADASIL (Rutten 2014). Based on available information, this variant is considered to be pathogenic. As p.Arg1893Ter does not follow the known mechanism of disease, the clinical significance of this variant is uncertain at this time. References: Almeida MR et al. NOTCH3 mutations in a cohort of Portuguese patients within CADASIL spectrum phenotype. Neurogenetics. 2022 Jan;23(1):1-9. PMID: 34851492. Rutten JW et al. Interpretation of NOTCH3 mutations in the diagnosis of CADASIL. Expert Rev Mol Diagn. 2014 Jun;14(5):593-603. PMID: 24844136. Smith CG et al. Exome resequencing identifies potential tumor-suppressor genes that predispose to colorectal cancer. Hum Mutat. 2013 Jul;34(7):1026-34. PMID: 23585368.

Blueprint Genetics
Classification: Uncertain significance. Last evaluated: 2024-03-08. Review status: criteria provided, single submitter. Criteria: ACMG Guidelines, 2015. Collection method: clinical testing. Allele origin: germline.

Literature cited by the submitters: PubMed 25870235 (cited by Labcorp Genetics (formerly Invitae), Labcorp); PubMed 32980981 (cited by Labcorp Genetics (formerly Invitae), Labcorp); PubMed 38824264 (cited by Labcorp Genetics (formerly Invitae), Labcorp); PubMed 34851492 (cited by Labcorp Genetics (formerly Invitae), Labcorp).